The following is an entry in ClinVar:

ClinVar aggregate classification (germline): Benign/Likely benign. Review status: criteria provided, multiple submitters, no conflicts (2 of 4 stars). 2 submissions from 2 submitters: Benign (1); Likely benign (1). Last evaluated 2025-10-22.

Conditions:
Emery-Dreifuss muscular dystrophy 5, autosomal dominant (EDMD5). Also called: EMERY-DREIFUSS MUSCULAR DYSTROPHY 5. Identifiers: Orphanet 261, MedGen C2751805, MONDO:0013072, OMIM 612999.

Allele frequency attached by ClinVar (database versions not stated): gnomAD 0.00001; TOPMed 0.00002; gnomAD exomes 0.00003 and 0.00006; ExAC 0.00007.
gnomAD v4.1: 48 of 1,614,124 alleles (0.003%); highest among the groups gnomAD compares: East Asian, 0.1%; no homozygotes.

Submissions (2):

Labcorp Genetics (formerly Invitae), Labcorp
Classification: Likely benign for Emery-Dreifuss muscular dystrophy 5, autosomal dominant. Last evaluated: 2025-10-22. Review status: criteria provided, single submitter. Criteria: Invitae Variant Classification Sherloc (09022015). Collection method: clinical testing. Allele origin: germline.

Illumina Laboratory Services, Illumina
Classification: Benign for Emery-Dreifuss muscular dystrophy 5, autosomal dominant. Last evaluated: 2018-01-13. Review status: criteria provided, single submitter. Criteria: ICSL Variant Classification Criteria 13 December 2019. Collection method: clinical testing. Allele origin: germline.
Comment: This variant was observed in the ICSL laboratory as part of a predisposition screen in an ostensibly healthy population. It had not been previously curated by ICSL or reported in the Human Gene Mutation Database (HGMD: prior to June 1st, 2018), and was therefore a candidate for classification through an automated scoring system. Utilizing variant allele frequency, disease prevalence and penetrance estimates, and inheritance mode, an automated score was calculated to assess if this variant is too frequent to cause the disease. Based on the score and internal cut-off values, a variant classified as benign is not then subjected to further curation. The score for this variant resulted in a classification of benign for this disease.

NM_182914.3(SYNE2):c.2493T>G (p.Ile831Met)

Gene: SYNE2 (spectrin repeat containing nuclear envelope protein 2; plus strand). Cytogenetic location: 14q23.2.
Variant type: single nucleotide variant.
Coding change: c.2493T>G on transcript NM_182914.3 (MANE Select); coding-DNA position 2493, T replaced by G.
Protein change: p.Ile831Met; replaces isoleucine 831 with methionine.
Molecular consequence: missense variant.
Genome position (GRCh38, 1-based): chr14:63,990,962, T>G. VCF-style: chr14-63990962-T-G. GRCh37 (hg19) VCF-style: chr14-64457680-T-G.
Other names: c.2493T>G, p.Ile831Met (NM_015180.6); short protein forms I831M.
Identifiers: ClinVar variation 882558 (VCV000882558.7), dbSNP rs754886522, ClinGen allele CA7219717.